The following is an entry in ClinVar:

NM_000051.4(ATM):c.4198A>T (p.Lys1400Ter)

Gene: ATM (ATM serine/threonine kinase; plus strand). Cytogenetic location: 11q22.3.
Variant type: single nucleotide variant.
Coding change: c.4198A>T on transcript NM_000051.4 (MANE Select); coding-DNA position 4198, A replaced by T.
Protein change: p.Lys1400Ter; replaces lysine 1400 with a stop codon.
Molecular consequence: nonsense.
Genome position (GRCh38, 1-based): chr11:108,289,065, A>T. VCF-style: chr11-108289065-A-T. GRCh37 (hg19) VCF-style: chr11-108159792-A-T.
Other names: c.4198A>T, p.Lys1400Ter (NM_001351834.2); short protein forms K1400*.
Identifiers: ClinVar variation 141704 (VCV000141704.22), dbSNP rs587781950, ClinGen allele CA166177.

ClinVar aggregate classification (germline): Pathogenic. Review status: criteria provided, multiple submitters, no conflicts (2 of 4 stars). 7 submissions from 7 submitters: Pathogenic (7). Last evaluated 2025-12-28.

Conditions:
Hereditary cancer-predisposing syndrome. Also called: Neoplastic Syndromes, Hereditary; Hereditary Cancer Syndrome; Hereditary neoplastic syndrome; Tumor predisposition. Identifiers: Orphanet 140162, MedGen C0027672, MeSH D009386, MONDO:0015356.
Familial cancer of breast. Also called: Hereditary breast cancer; hereditary breast carcinoma; BREAST CANCER, FAMILIAL. Identifiers: Orphanet 227535, MedGen C0346153, MONDO:0016419, OMIM 114480. Disease mechanism: loss of function.
Ataxia-telangiectasia syndrome (AT). Also called: Cerebello-oculocutaneous telangiectasia; Immunodeficiency with ataxia telangiectasia; Ataxia-telangiectasia, complementation group D; AT, COMPLEMENTATION GROUP C; ATAXIA-TELANGIECTASIA, FRESNO VARIANT; ATAXIA-TELANGIECTASIA, COMPLEMENTATION GROUP A. Identifiers: Orphanet 100, MedGen C0004135, MONDO:0008840, OMIM 208900.

Allele frequency attached by ClinVar (database versions not stated): TOPMed below 0.00001; gnomAD 0.00001.
gnomAD v4.1: 1 of 1,612,052 alleles (0.000062%); highest among the groups gnomAD compares: Non-Finnish European, 0.000085%; no homozygotes.

Submissions (7):

Labcorp Genetics (formerly Invitae), Labcorp
Classification: Pathogenic for Ataxia-telangiectasia syndrome. Last evaluated: 2025-12-28. Review status: criteria provided, single submitter. Criteria: Invitae Variant Classification Sherloc (09022015). Collection method: clinical testing. Allele origin: germline.
Comment: This sequence change creates a premature translational stop signal (p.Lys1400*) in the ATM gene. It is expected to result in an absent or disrupted protein product. Loss-of-function variants in ATM are known to be pathogenic (PMID: 23807571, 25614872). This variant is not present in population databases (gnomAD no frequency). This premature translational stop signal has been observed in individual(s) with ataxia-telangiectasia (PMID: 15039971). ClinVar contains an entry for this variant (Variation ID: 141704). Algorithms developed to predict the effect of sequence changes on RNA splicing suggest that this variant may disrupt the consensus splice site. For these reasons, this variant has been classified as Pathogenic.

Myriad Genetics, Inc.
Classification: Pathogenic for Familial cancer of breast. Last evaluated: 2024-01-23. Review status: criteria provided, single submitter. Criteria: Myriad Autosomal Dominant, Autosomal Recessive and X-Linked Classification Criteria (2023). Collection method: clinical testing. Allele origin: unknown.
Comment: This variant is considered pathogenic. This variant creates a termination codon and is predicted to result in premature protein truncation.

Baylor Genetics
Classification: Pathogenic for Familial cancer of breast. Last evaluated: 2023-10-26. Review status: criteria provided, single submitter. Criteria: ACMG Guidelines, 2015. Collection method: clinical testing. Allele origin: unknown.

Ambry Genetics
Classification: Pathogenic for Hereditary cancer-predisposing syndrome. Last evaluated: 2023-06-28. Review status: criteria provided, single submitter. Criteria: Ambry Variant Classification Scheme 2023. Collection method: clinical testing. Allele origin: germline.
Comment: The p.K1400* pathogenic mutation (also known as c.4198A>T), located in coding exon 27 of the ATM gene, results from an A to T substitution at nucleotide position 4198. This changes the amino acid from a lysine to a stop codon within coding exon 27. This alteration has been reported in conjunction with a second ATM mutation in an individual with classical ataxia-telangiectasia (Coutinho G et al. Am. J. Med. Genet. A 2004 Apr;126A(1):33-40). In addition to the clinical data presented in the literature, this alteration is expected to result in loss of function by premature protein truncation or nonsense-mediated mRNA decay. As such, this alteration is interpreted as a disease-causing mutation.

Women's Health and Genetics/Laboratory Corporation of America, LabCorp
Classification: Pathogenic for Ataxia-telangiectasia syndrome. Last evaluated: 2023-05-05. Review status: criteria provided, single submitter. Criteria: LabCorp Variant Classification Summary - May 2015. Collection method: clinical testing. Allele origin: germline.
Comment: Variant summary: ATM c.4198A>T (p.Lys1400X) results in a premature termination codon, predicted to cause a truncation of the encoded protein or absence of the protein due to nonsense mediated decay, which are commonly known mechanisms for disease. The variant was absent in 250996 control chromosomes. c.4198A>T has been reported in the literature in individuals affected with Ataxia-Telangiectasia (example: Coutinho_2004). To our knowledge, no experimental evidence demonstrating an impact on protein function has been reported. The following publication have been ascertained in the context of this evaluation (PMID: 15039971). Four clinical diagnostic laboratories have submitted clinical-significance assessments for this variant to ClinVar after 2014 without evidence for independent evaluation. All laboratories classified the variant as pathogenic. Based on the evidence outlined above, the variant was classified as pathogenic.

GeneDx
Classification: Pathogenic. Last evaluated: 2022-06-02. Review status: criteria provided, single submitter. Criteria: GeneDx Variant Classification Process June 2021. Collection method: clinical testing. Allele origin: germline. Affected: yes.
Comment: Nonsense variant predicted to result in protein truncation or nonsense mediated decay in a gene for which loss of function is a known mechanism of disease; Not observed at significant frequency in large population cohorts (gnomAD); Observed in the compound heterozygous state in an individual with ataxia telangiectasia (Coutinho 2004); This variant is associated with the following publications: (PMID: 27304073, 15039971)

Color Diagnostics, LLC DBA Color Health
Classification: Pathogenic for Hereditary cancer-predisposing syndrome. Last evaluated: 2020-01-15. Review status: criteria provided, single submitter. Criteria: ACMG Guidelines, 2015. Collection method: clinical testing. Allele origin: germline.
Comment: This variant changes 1 nucleotide in exon 28 of the ATM gene, creating a premature translation stop signal. This variant is expected to result in an absent or non-functional protein product. This variant has not been identified in the general population by the Genome Aggregation Database (gnomAD). Loss of ATM function is a known mechanism of disease. Based on the available evidence, this variant is classified as Pathogenic.

Literature cited by the submitters: PubMed 23807571 (cited by Labcorp Genetics (formerly Invitae), Labcorp); PubMed 25614872 (cited by Labcorp Genetics (formerly Invitae), Labcorp); PubMed 15039971 (cited by 3 submitters).